The following is an entry in ClinVar:

NM_004429.5(EFNB1):c.597G>A (p.Arg199=)

Gene: EFNB1 (ephrin B1; plus strand). Cytogenetic location: Xq13.1.
Variant type: single nucleotide variant.
Coding change: c.597G>A on transcript NM_004429.5 (MANE Select); coding-DNA position 597, G replaced by A.
Protein change: p.Arg199=; no amino-acid change (arginine 199 retained).
Molecular consequence: synonymous variant.
Genome position (GRCh38, 1-based): chrX:68,840,057, G>A. VCF-style: chrX-68840057-G-A. GRCh37 (hg19) VCF-style: chrX-68059900-G-A.
Identifiers: ClinVar variation 2660794 (VCV002660794.24), dbSNP rs200409169, ClinGen allele CA517049105.

ClinVar aggregate classification (germline): Likely benign (1 of 4 stars; one submission).

gnomAD v4.1: 1 of 1,211,944 alleles (0.000083%); no homozygotes.

Submission:

CeGaT Center for Human Genetics Tuebingen
Classification: Likely benign. Last evaluated: 2022-07-01. Review status: criteria provided, single submitter. Criteria: CeGaT Center For Human Genetics Tuebingen Variant Classification Criteria Version 2. Collection method: clinical testing. Allele origin: germline. Affected: yes. Observed: 1 variant allele.
Comment: EFNB1: PM2:Supporting, BP4, BP7